The following is an entry in ClinVar:

NM_014714.4(IFT140):c.2101G>A (p.Glu701Lys)

Gene: IFT140 (intraflagellar transport 140; minus strand). Cytogenetic location: 16p13.3.
Variant type: single nucleotide variant.
Coding change: c.2101G>A on transcript NM_014714.4 (MANE Select); coding-DNA position 2101, G replaced by A.
Protein change: p.Glu701Lys; replaces glutamic acid 701 with lysine.
Molecular consequence: missense variant.
Genome position (GRCh38, 1-based): chr16:1,562,083, C>T on the plus strand (G>A on the coding strand, the complement: IFT140 is on the minus strand). VCF-style: chr16-1562083-C-T. GRCh37 (hg19) VCF-style: chr16-1612084-C-T.
Other names: short protein forms E701K.
Identifiers: ClinVar variation 2142975 (VCV002142975.1), dbSNP rs755586446, ClinGen allele CA276657055.
Genomic context (GRCh38, chr16:1,562,083, plus strand): 5'-GGAGACTGTGGGAGGTGGCAGGCCGGGGGAAGCTCTCATGAAGCAGGAAGCCGTGCTCTT[C>T]GGAAATGAAGAAGGACAGGATCAAAACATCTGCCTGGGAGAGAAAGAAAAGTACTGTTCT-3'
Protein context (NP_055529.2, residues 691-711): DVLILSFFIS[Glu701Lys]EHGFLLHESF

ClinVar aggregate classification (germline): Uncertain significance (1 of 4 stars; one submission).

Conditions:
Saldino-Mainzer syndrome (SRTD9). Also called: short-rib thoracic dysplasia 9 with or without polydactyly; CONORENAL SYNDROME; Renal dysplasia, retinal pigmentary dystrophy, cerebellar ataxia and skeletal dysplasia; SHORT-RIB THORACIC DYSPLASIA 9 WITHOUT POLYDACTYLY. Identifiers: Orphanet 140969, MedGen C1849437, MONDO:0009964, OMIM 266920.

Allele frequency attached by ClinVar (database versions not stated): gnomAD 0.00001; gnomAD exomes 0.00001; TOPMed 0.00001.
gnomAD v4.1: 20 of 1,610,798 alleles (0.0012%); highest among the groups gnomAD compares: African/African-American, 0.004%; no homozygotes.

Submission:

Labcorp Genetics (formerly Invitae), Labcorp
Classification: Uncertain significance for Saldino-Mainzer syndrome. Last evaluated: 2022-07-28. Review status: criteria provided, single submitter. Criteria: Invitae Variant Classification Sherloc (09022015). Collection method: clinical testing. Allele origin: germline.
Comment: This sequence change replaces glutamic acid, which is acidic and polar, with lysine, which is basic and polar, at codon 701 of the IFT140 protein (p.Glu701Lys). This variant is present in population databases (rs755586446, gnomAD 0.0008%). This variant has not been reported in the literature in individuals affected with IFT140-related conditions. Algorithms developed to predict the effect of missense changes on protein structure and function (SIFT, PolyPhen-2, Align-GVGD) all suggest that this variant is likely to be tolerated. Algorithms developed to predict the effect of sequence changes on RNA splicing suggest that this variant may create or strengthen a splice site. In summary, the available evidence is currently insufficient to determine the role of this variant in disease. Therefore, it has been classified as a Variant of Uncertain Significance.